The following is an entry in ClinVar:

ClinVar aggregate classification (germline): Uncertain significance. Review status: criteria provided, multiple submitters, no conflicts (2 of 4 stars). 2 submissions from 2 submitters: Uncertain significance (2). Last evaluated 2022-02-01.

Conditions:
Muscular dystrophy-dystroglycanopathy (congenital with brain and eye anomalies), type a, 8 (MDDGA8). Also called: WALKER-WARBURG SYNDROME OR MUSCLE-EYE-BRAIN DISEASE, GTDC2-RELATED. Identifiers: Orphanet 899, MedGen C3553813, MONDO:0013904, OMIM 614830.

Allele frequency attached by ClinVar (database versions not stated): ExAC 0.00001; gnomAD 0.00001; TOPMed 0.00001; gnomAD exomes 0.00002 and 0.00003.
gnomAD v4.1: 43 of 1,614,052 alleles (0.0027%); highest among the groups gnomAD compares: East Asian, 0.0045%; no homozygotes.

Submissions (2):

Labcorp Genetics (formerly Invitae), Labcorp
Classification: Uncertain significance for Muscular dystrophy-dystroglycanopathy (congenital with brain and eye anomalies), type a, 8. Last evaluated: 2022-02-01. Review status: criteria provided, single submitter. Criteria: Invitae Variant Classification Sherloc (09022015). Collection method: clinical testing. Allele origin: germline.
Comment: ClinVar contains an entry for this variant (Variation ID: 1298913). In summary, the available evidence is currently insufficient to determine the role of this variant in disease. Therefore, it has been classified as a Variant of Uncertain Significance. Algorithms developed to predict the effect of sequence changes on RNA splicing suggest that this variant may create or strengthen a splice site. Algorithms developed to predict the effect of missense changes on protein structure and function (SIFT, PolyPhen-2, Align-GVGD) all suggest that this variant is likely to be tolerated. This variant has not been reported in the literature in individuals affected with POMGNT2-related conditions. This variant is present in population databases (rs772311128, gnomAD 0.005%). This sequence change replaces arginine, which is basic and polar, with glutamine, which is neutral and polar, at codon 333 of the POMGNT2 protein (p.Arg333Gln).

CeGaT Center for Human Genetics Tuebingen
Classification: Uncertain significance. Last evaluated: 2021-08-01. Review status: criteria provided, single submitter. Criteria: CeGaT Center For Human Genetics Tuebingen Variant Classification Criteria Version 2. Collection method: clinical testing. Allele origin: germline. Affected: yes. Observed: 1 variant allele.

NM_032806.6(POMGNT2):c.998G>A (p.Arg333Gln)

Gene: POMGNT2 (protein O-linked mannose N-acetylglucosaminyltransferase 2 (beta 1,4-); minus strand). Cytogenetic location: 3p22.1.
Variant type: single nucleotide variant.
Coding change: c.998G>A on transcript NM_032806.6 (MANE Select); coding-DNA position 998, G replaced by A.
Protein change: p.Arg333Gln; replaces arginine 333 with glutamine.
Molecular consequence: missense variant.
Genome position (GRCh38, 1-based): chr3:43,080,434, C>T on the plus strand (G>A on the coding strand, the complement: POMGNT2 is on the minus strand). VCF-style: chr3-43080434-C-T. GRCh37 (hg19) VCF-style: chr3-43121926-C-T.
Other names: short protein forms R333Q.
Identifiers: ClinVar variation 1298913 (VCV001298913.39), dbSNP rs772311128, ClinGen allele CA2339953.
Genomic context (GRCh38, chr3:43,080,434, plus strand): 5'-AGGGTGGTGACCAGCTGGGCCCCATGCATGCTGACCAGCATGGAGGCATTGCTGACCAGC[C>T]GCACGACATCAGCAAAGGTGTGGTCCTCCAGGGACACTGTCACTGTCTTCATCTGGAACT-3'
Protein context (NP_116195.2, residues 323-343): LEDHTFADVV[Arg333Gln]LVSNASMLVS